The following is an entry in ClinVar:

NM_001377304.1(GFI1B):c.67G>A (p.Asp23Asn)

Gene: GFI1B (growth factor independent 1B transcriptional repressor; plus strand). Cytogenetic location: 9q34.13.
Variant type: single nucleotide variant.
Coding change: c.67G>A on transcript NM_001377304.1 (MANE Select); coding-DNA position 67, G replaced by A.
Protein change: p.Asp23Asn; replaces aspartic acid 23 with asparagine.
Molecular consequence: missense variant.
Genome position (GRCh38, 1-based): chr9:132,986,745, G>A. VCF-style: chr9-132986745-G-A. GRCh37 (hg19) VCF-style: chr9-135862132-G-A.
Other names: c.67G>A, p.Asp23Asn (NM_001135031.2, NM_001371908.1, NM_001377305.1 and 1 more transcripts); short protein forms D23N.
Identifiers: ClinVar variation 757351 (VCV000757351.14), dbSNP rs544599977, ClinGen allele CA5301799.
Genomic context (GRCh38, chr9:132,986,745, plus strand): 5'-CGCTCCTTCCTGGTGAAGAGCAAGAAGGCTCACACCTACCACCAGCCCCGTGTGCAGGAA[G>A]ATGAACCGCTCTGGCCTCCTGCCCTTACCCCGGGTGAGTCAGAGCCCGGGCTGGCGCCTG-3'
Protein context (NP_001364233.1, residues 13-33): HTYHQPRVQE[Asp23Asn]EPLWPPALTP

ClinVar aggregate classification (germline): Benign. Review status: criteria provided, multiple submitters, no conflicts (2 of 4 stars). 3 submissions from 3 submitters: Benign (2). 1 of the submissions does not count toward it. Last evaluated 2025-07-01.

Conditions:
GFI1B-related disorder. Also called: GFI1B-related condition.

Allele frequency attached by ClinVar (database versions not stated): gnomAD 0.00003 and 0.00042; TOPMed 0.00009; gnomAD exomes 0.00076 and 0.00160; ExAC 0.00221; 1000 Genomes Project 30x 0.00453; 1000 Genomes Project 0.00459.
gnomAD v4.1: 1,192 of 1,612,876 alleles (0.074%); highest among the groups gnomAD compares: South Asian, 1.2%; 19 homozygotes.

Submissions (3):

CeGaT Center for Human Genetics Tuebingen
Classification: Benign. Last evaluated: 2025-07-01. Review status: criteria provided, single submitter. Criteria: CeGaT Center For Human Genetics Tuebingen Variant Classification Criteria Version 2. Collection method: clinical testing. Allele origin: germline. Affected: yes. Observed: 1 variant allele.
Comment: GFI1B: BP4, BS1, BS2

Labcorp Genetics (formerly Invitae), Labcorp
Classification: Benign. Last evaluated: 2019-12-31. Review status: criteria provided, single submitter. Criteria: Invitae Variant Classification Sherloc (09022015). Collection method: clinical testing. Allele origin: germline.

PreventionGenetics, part of Exact Sciences
Classification: Benign for GFI1B-related condition. Last evaluated: 2021-03-08. Review status: no assertion criteria provided. Collection method: clinical testing. Allele origin: germline. Not counted in ClinVar's aggregate classification.
Comment: This variant is classified as benign based on ACMG/AMP sequence variant interpretation guidelines (Richards et al. 2015 PMID: 25741868, with internal and published modifications).